The following is an entry in ClinVar:

ClinVar aggregate classification (germline): Likely benign (1 of 4 stars; one submission).

Allele frequency attached by ClinVar (database versions not stated): ExAC 0.00029; TOPMed 0.00036; gnomAD exomes 0.00037; ESP Exome Variant Server 0.00038; gnomAD 0.00038.

Submission:

CeGaT Center for Human Genetics Tuebingen
Classification: Likely benign. Last evaluated: 2024-06-01. Review status: criteria provided, single submitter. Criteria: CeGaT Center For Human Genetics Tuebingen Variant Classification Criteria Version 2. Collection method: clinical testing. Allele origin: germline. Affected: yes. Observed: 1 variant allele.
Comment: SLC39A5: BP4, BP7

NM_173596.3(SLC39A5):c.177G>A (p.Ala59=)

Gene: SLC39A5 (solute carrier family 39 member 5; plus strand). Cytogenetic location: 12q13.3.
Variant type: single nucleotide variant.
Coding change: c.177G>A on transcript NM_173596.3 (MANE Select); coding-DNA position 177, G replaced by A.
Protein change: p.Ala59=; no amino-acid change (alanine 59 retained).
Molecular consequence: synonymous variant.
Genome position (GRCh38, 1-based): chr12:56,231,451, G>A. VCF-style: chr12-56231451-G-A. GRCh37 (hg19) VCF-style: chr12-56625235-G-A.
Other names: c.177G>A, p.Ala59= (NM_001135195.2).
Identifiers: ClinVar variation 3250697 (VCV003250697.18), dbSNP rs148881378.